The following is an entry in ClinVar:

NM_020971.3(SPTBN4):c.2410G>A (p.Asp804Asn)

Gene: SPTBN4 (spectrin beta, non-erythrocytic 4; plus strand). Cytogenetic location: 19q13.2.
Variant type: single nucleotide variant.
Coding change: c.2410G>A on transcript NM_020971.3 (MANE Select); coding-DNA position 2410, G replaced by A.
Protein change: p.Asp804Asn; replaces aspartic acid 804 with asparagine.
Molecular consequence: missense variant.
Genome position (GRCh38, 1-based): chr19:40,513,199, G>A. VCF-style: chr19-40513199-G-A. GRCh37 (hg19) VCF-style: chr19-41019106-G-A.
Other names: short protein forms D804N.
Identifiers: ClinVar variation 5008021 (VCV005008021.1).

ClinVar aggregate classification (germline): Uncertain significance (1 of 4 stars; one submission).

gnomAD v4.1: 1 of 1,505,154 alleles (0.000066%); highest among the groups gnomAD compares: African/African-American, 0.0014%; no homozygotes.

Submission:

GeneDx
Classification: Uncertain significance. Last evaluated: 2026-02-25. Review status: criteria provided, single submitter. Criteria: GeneDx Variant Classification Process June 2021. Collection method: clinical testing. Allele origin: germline.
Comment: Not observed at significant frequency in large population cohorts (gnomAD); In silico analysis supports that this missense variant has a deleterious effect on protein structure/function; Has not been previously published as pathogenic or benign to our knowledge